The following is an entry in ClinVar:

NM_004304.5(ALK):c.2330A>C (p.Gln777Pro)

Gene: ALK (ALK receptor tyrosine kinase; minus strand). Cytogenetic location: 2p23.2.
Variant type: single nucleotide variant.
Coding change: c.2330A>C on transcript NM_004304.5 (MANE Select); coding-DNA position 2330, A replaced by C.
Protein change: p.Gln777Pro; replaces glutamine 777 with proline.
Molecular consequence: missense variant.
Genome position (GRCh38, 1-based): chr2:29,239,705, T>G on the plus strand (A>C on the coding strand, the complement: ALK is on the minus strand). VCF-style: chr2-29239705-T-G. GRCh37 (hg19) VCF-style: chr2-29462571-T-G.
Other names: c.2330A>C (NM_004304.4); short protein forms Q777P.
Identifiers: ClinVar variation 1484279 (VCV001484279.10), dbSNP rs1448527132, ClinGen allele CA346474275.
Genomic context (GRCh38, chr2:29,239,705, plus strand): 5'-AGTGCAGACGAGAAACCCCTGCTCTGGGCACTTACACTGGGGCAGGCGTCCTCTCCCTGC[T>G]GCCCAACCAGGATGTACAGCATGTCATCCTTCTCCAGGTTGAAGATGCCCAGCACAGACA-3'
Protein context (NP_004295.2, residues 767-787): KDDMLYILVG[Gln777Pro]QGEDACPSTN

ClinVar aggregate classification (germline): Uncertain significance. Review status: criteria provided, multiple submitters, no conflicts (2 of 4 stars). 2 submissions from 2 submitters: Uncertain significance (2). Last evaluated 2026-04-12.

Conditions:
Hereditary cancer-predisposing syndrome. Also called: Tumor predisposition; Neoplastic Syndromes, Hereditary; Hereditary Cancer Syndrome; Hereditary neoplastic syndrome. Identifiers: Orphanet 140162, MedGen C0027672, MeSH D009386, MONDO:0015356.
Neuroblastoma, susceptibility to, 3. Also called: ALK-Related Neuroblastic Tumor Susceptibility. Identifiers: Orphanet 635, MedGen C2751681, MONDO:0013083, OMIM 613014.

Allele frequency attached by ClinVar (database versions not stated): gnomAD exomes below 0.00001; TOPMed below 0.00001; gnomAD 0.00001.
gnomAD v4.1: 3 of 1,613,900 alleles (0.00019%); highest among the groups gnomAD compares: Admixed American, 0.0033%; no homozygotes.

Submissions (2):

Ambry Genetics
Classification: Uncertain significance for Hereditary cancer-predisposing syndrome. Last evaluated: 2026-04-12. Review status: criteria provided, single submitter. Criteria: Ambry Variant Classification Scheme 2023. Collection method: clinical testing. Allele origin: germline.
Comment: The p.Q777P variant (also known as c.2330A>C), located in coding exon 13 of the ALK gene, results from an A to C substitution at nucleotide position 2330. The glutamine at codon 777 is replaced by proline, an amino acid with similar properties. This amino acid position is conserved. In addition, this alteration is predicted to be deleterious by in silico analysis. Based on the available evidence, the clinical significance of this variant remains unclear.

Labcorp Genetics (formerly Invitae), Labcorp
Classification: Uncertain significance for Neuroblastoma, susceptibility to, 3. Last evaluated: 2024-05-06. Review status: criteria provided, single submitter. Criteria: Invitae Variant Classification Sherloc (09022015). Collection method: clinical testing. Allele origin: germline.
Comment: This sequence change replaces glutamine, which is neutral and polar, with proline, which is neutral and non-polar, at codon 777 of the ALK protein (p.Gln777Pro). This variant is present in population databases (no rsID available, gnomAD 0.006%). This variant has not been reported in the literature in individuals affected with ALK-related conditions. ClinVar contains an entry for this variant (Variation ID: 1484279). An algorithm developed to predict the effect of missense changes on protein structure and function (PolyPhen-2) suggests that this variant is likely to be disruptive. In summary, the available evidence is currently insufficient to determine the role of this variant in disease. Therefore, it has been classified as a Variant of Uncertain Significance.